The following is an entry in ClinVar:

ClinVar aggregate classification (germline): Benign (1 of 4 stars; one submission).

Allele frequency attached by ClinVar (database versions not stated): 1000 Genomes Project 30x 0.14585; 1000 Genomes Project 0.14816; TOPMed 0.19385.

Submission:

Unidad de Genómica Garrahan, Hospital de Pediatría Garrahan
Classification: Benign. Last evaluated: 2023-11-12. Review status: criteria provided, single submitter. Criteria: ACMG Guidelines, 2015. Collection method: clinical testing. Allele origin: germline. Affected: no. Observed: 32 variant alleles.
Comment: This variant is classified as Benign based on local population frequency. This variant was detected in 33% of patients studied by a panel of primary immunodeficiencies. Number of patients: 32. Only high quality variants are reported.

NM_005739.4(RASGRP1):c.1873+110A>G

Gene: RASGRP1 (RAS guanyl releasing protein 1; minus strand). Cytogenetic location: 15q14.
Variant type: single nucleotide variant.
Coding change: c.1873+110A>G on transcript NM_005739.4 (MANE Select); 110 bases into the intron after coding-DNA position 1873, A replaced by G.
Molecular consequence: intron variant.
Genome position (GRCh38, 1-based): chr15:38,498,684, T>C on the plus strand (A>G on the coding strand, the complement: RASGRP1 is on the minus strand). VCF-style: chr15-38498684-T-C. GRCh37 (hg19) VCF-style: chr15-38790885-T-C.
Other names: c.1768+110A>G (NM_001306086.2, NM_001128602.2).
Identifiers: ClinVar variation 2628227 (VCV002628227.2), dbSNP rs4467032, ClinGen allele CA14116836.
Genomic context (GRCh38, chr15:38,498,684, plus strand): 5'-AGACATAGGCATGGAGCTAAAATCCAAAACTGTGGGAGGGGTCAGCCCTGGCCTAGCTGT[T>C]GAGGTTACATTTAAACTCAAACACAGAGTCATGAGGTAATCTTTCCGTCTCTAAAACTTT-3'